The following is an entry in ClinVar:

ClinVar aggregate classification (germline): Pathogenic (1 of 4 stars; one submission).

Conditions:
Mucopolysaccharidosis, MPS-III-B (MPS3B). Also called: N-ACETYL-ALPHA-D-GLUCOSAMINIDASE DEFICIENCY; NAGLU DEFICIENCY; SANFILIPPO SYNDROME B; MPS III B; MUCOPOLYSACCHARIDOSIS, TYPE IIIB; Mucopolysaccharidosis type IIIB (Sanfilippo B). Identifiers: Orphanet 79270, MedGen C0086648, MONDO:0009656, OMIM 252920.

Submission:

Myriad Genetics, Inc.
Classification: Pathogenic for Mucopolysaccharidosis, MPS-III-B. Last evaluated: 2024-01-15. Review status: criteria provided, single submitter. Criteria: Myriad Autosomal Dominant, Autosomal Recessive and X-Linked Classification Criteria (2023). Collection method: clinical testing. Allele origin: unknown.
Comment: NM_000263.3(NAGLU):c.440G>A(W147*) is expected to be pathogenic in the context of mucopolysaccharidosis type IIIB. This variant is predicted to lead to an abnormal or absent protein product due to the creation of a premature termination codon in NAGLU, a gene where loss-of-function variants are known to be pathogenic. Please note: this variant was assessed in the context of healthy population screening.

NM_000263.4(NAGLU):c.440G>A (p.Trp147Ter)

Gene: NAGLU (N-acetyl-alpha-glucosaminidase; plus strand). Cytogenetic location: 17q21.2.
Variant type: single nucleotide variant.
Coding change: c.440G>A on transcript NM_000263.4 (MANE Select); coding-DNA position 440, G replaced by A.
Protein change: p.Trp147Ter; replaces tryptophan 147 with a stop codon.
Molecular consequence: nonsense.
Genome position (GRCh38, 1-based): chr17:42,537,454, G>A. VCF-style: chr17-42537454-G-A. GRCh37 (hg19) VCF-style: chr17-40689472-G-A.
Other names: short protein forms W147*.
Identifiers: ClinVar variation 5012650 (VCV005012650.1).